The following is an entry in ClinVar:

ClinVar aggregate classification (germline): Benign. Review status: criteria provided, multiple submitters, no conflicts (2 of 4 stars). 6 submissions from 6 submitters: Benign (6). Last evaluated 2026-02-04.

Conditions:
Ciliary dyskinesia, primary, 40. Also called: CILIARY DYSKINESIA, PRIMARY, 40, WITH OR WITHOUT SITUS INVERSUS. Identifiers: MedGen C4749028, MONDO:0032664, OMIM 618300.

Allele frequency attached by ClinVar (database versions not stated): ESP Exome Variant Server 0.30917; gnomAD 0.32085 and 0.32495; TOPMed 0.33544; gnomAD exomes 0.34310 and 0.35368; ExAC 0.34686; 1000 Genomes Project 30x 0.35119; 1000 Genomes Project 0.35343.

Submissions (6):

Labcorp Genetics (formerly Invitae), Labcorp
Classification: Benign. Last evaluated: 2026-02-04. Review status: criteria provided, single submitter. Criteria: Invitae Variant Classification Sherloc (09022015). Collection method: clinical testing. Allele origin: germline.

Blueprint Genetics
Classification: Benign. Last evaluated: 2024-11-28. Review status: criteria provided, single submitter. Criteria: ACMG Guidelines, 2015. Collection method: clinical testing. Allele origin: germline.

Genome-Nilou Lab
Classification: Benign for Ciliary dyskinesia, primary, 40. Last evaluated: 2021-07-30. Review status: criteria provided, single submitter. Criteria: ACMG Guidelines, 2015. Collection method: clinical testing. Allele origin: germline. Affected: no.

GeneDx
Classification: Benign. Last evaluated: 2021-05-11. Review status: criteria provided, single submitter. Criteria: GeneDx Variant Classification Process June 2021. Collection method: clinical testing. Allele origin: germline. Affected: yes.

Laboratory for Molecular Medicine, Mass General Brigham Personalized Medicine
Classification: Benign. Last evaluated: 2016-03-28. Review status: criteria provided, single submitter. Criteria: LMM Criteria. Collection method: clinical testing. Allele origin: germline.
Comment: Variant identified in a genome or exome case(s) and assessed due to predicted null impact of the variant or pathogenic assertions in the literature or databases. Disclaimer: This variant has not undergone full assessment. The following are preliminary notes: Frequency

Breakthrough Genomics
Classification: Benign. Review status: criteria provided, single submitter. Criteria: ACMG Guidelines, 2015. Collection method: not provided. Allele origin: germline. Inheritance: Autosomal recessive inheritance. Affected: yes.

NM_001372.4(DNAH9):c.9247-14C>T

Gene: DNAH9 (dynein axonemal heavy chain 9; plus strand). Cytogenetic location: 17p12.
Variant type: single nucleotide variant.
Coding change: c.9247-14C>T on transcript NM_001372.4 (MANE Select); 14 bases into the intron before coding-DNA position 9247, C replaced by T.
Molecular consequence: intron variant.
Genome position (GRCh38, 1-based): chr17:11,834,624, C>T. VCF-style: chr17-11834624-C-T. GRCh37 (hg19) VCF-style: chr17-11737941-C-T.
Identifiers: ClinVar variation 402780 (VCV000402780.19), dbSNP rs3744586, ClinGen allele CA8397178.